The following is an entry in ClinVar:

NM_000059.4(BRCA2):c.8790T>A (p.Asn2930Lys)

Gene: BRCA2 (BRCA2 DNA repair associated; plus strand). Cytogenetic location: 13q13.1.
Variant type: single nucleotide variant.
Coding change: c.8790T>A on transcript NM_000059.4 (MANE Select); coding-DNA position 8790, T replaced by A.
Protein change: p.Asn2930Lys; replaces asparagine 2930 with lysine.
Molecular consequence: missense variant. On other transcripts: non-coding transcript variant (1).
Genome position (GRCh38, 1-based): chr13:32,379,352, T>A. VCF-style: chr13-32379352-T-A. GRCh37 (hg19) VCF-style: chr13-32953489-T-A.
Other names: c.8694T>A, p.Asn2898Lys (NM_001406719.1); c.8790T>A, p.Asn2930Lys (NM_001406720.1, NM_001432077.1); c.3858T>A, p.Asn1286Lys (NM_001406721.1); c.2373T>A, p.Asn791Lys (NM_001406722.1); short protein forms N2930K, N791K, N1286K, N2898K.
Identifiers: ClinVar variation 3825435 (VCV003825435.1).

ClinVar aggregate classification (germline): Uncertain significance (1 of 4 stars; one submission).

Conditions:
Hereditary cancer-predisposing syndrome. Also called: Hereditary neoplastic syndrome; Neoplastic Syndromes, Hereditary; Tumor predisposition; Hereditary Cancer Syndrome. Identifiers: Orphanet 140162, MedGen C0027672, MeSH D009386, MONDO:0015356.

Submission:

Ambry Genetics
Classification: Uncertain significance for Hereditary cancer-predisposing syndrome. Last evaluated: 2025-01-13. Review status: criteria provided, single submitter. Criteria: Ambry Variant Classification Scheme 2023. Collection method: clinical testing. Allele origin: germline.
Comment: The p.N2930K variant (also known as c.8790T>A), located in coding exon 21 of the BRCA2 gene, results from a T to A substitution at nucleotide position 8790. The asparagine at codon 2930 is replaced by lysine, an amino acid with similar properties. This amino acid position is conserved. In addition, this alteration is predicted to be tolerated by in silico analysis. Based on the available evidence, the clinical significance of this variant remains unclear.